The following is an entry in ClinVar:

NM_181882.3(PRX):c.471G>A (p.Glu157=)

Gene: PRX (periaxin; minus strand). Cytogenetic location: 19q13.2.
Variant type: single nucleotide variant.
Coding change: c.471G>A on transcript NM_181882.3 (MANE Select); coding-DNA position 471, G replaced by A.
Protein change: p.Glu157=; no amino-acid change (glutamic acid 157 retained).
Molecular consequence: synonymous variant. On other transcripts: 3 prime UTR variant (1).
Genome position (GRCh38, 1-based): chr19:40,397,881, C>T on the plus strand (G>A on the coding strand, the complement: PRX is on the minus strand). VCF-style: chr19-40397881-C-T. GRCh37 (hg19) VCF-style: chr19-40903788-C-T.
Other names: p.Glu157=; c.*676G>A (NM_020956.2).
Identifiers: ClinVar variation 329288 (VCV000329288.20), dbSNP rs4803335, ClinGen allele CA9444447.

ClinVar aggregate classification (germline): Benign. Review status: criteria provided, multiple submitters, no conflicts (2 of 4 stars). 7 submissions from 7 submitters: Benign (7). Last evaluated 2026-02-03.

Conditions:
Charcot-Marie-Tooth disease. Also called: Charcot-Marie-Tooth Neuropathy; Charcot-Marie-Tooth Hereditary Neuropathy. Identifiers: Orphanet 166, MedGen C0007959, MONDO:0015626.
Charcot-Marie-Tooth disease type 4. Also called: Charcot-Marie-Tooth, Type 4; Charcot-Marie-Tooth disease, type IV. Identifiers: Orphanet 64749, MedGen C4082197, MONDO:0018995.
Charcot-Marie-Tooth disease type 4F. Also called: Charcot-Marie-Tooth disease, demyelinating, type 4F. Identifiers: Orphanet 99952, MedGen C3540453, MONDO:0013959, OMIM 614895.

Allele frequency attached by ClinVar (database versions not stated): ESP Exome Variant Server 0.00377; gnomAD exomes 0.01072 and 0.03374; gnomAD 0.01488 and 0.01532; 1000 Genomes Project 0.02316; 1000 Genomes Project 30x 0.02545; TOPMed 0.02715; ExAC 0.03400.

Submissions (7):

Labcorp Genetics (formerly Invitae), Labcorp
Classification: Benign for Charcot-Marie-Tooth disease type 4. Last evaluated: 2026-02-03. Review status: criteria provided, single submitter. Criteria: Invitae Variant Classification Sherloc (09022015). Collection method: clinical testing. Allele origin: germline.

Athena Diagnostics
Classification: Benign. Last evaluated: 2025-01-29. Review status: criteria provided, single submitter. Criteria: Athena Diagnostics Criteria. Collection method: clinical testing. Allele origin: unknown.
Comment: The frequency of this variant in the general population is higher than would generally be expected for pathogenic variants in this gene.

Illumina Laboratory Services, Illumina
Classification: Benign for Charcot-Marie-Tooth disease type 4F. Last evaluated: 2018-01-12. Review status: criteria provided, single submitter. Criteria: ICSL Variant Classification Criteria 13 December 2019. Collection method: clinical testing. Allele origin: germline.
Comment: This variant was observed in the ICSL laboratory as part of a predisposition screen in an ostensibly healthy population. It had not been previously curated by ICSL or reported in the Human Gene Mutation Database (HGMD: prior to June 1st, 2018), and was therefore a candidate for classification through an automated scoring system. Utilizing variant allele frequency, disease prevalence and penetrance estimates, and inheritance mode, an automated score was calculated to assess if this variant is too frequent to cause the disease. Based on the score and internal cut-off values, a variant classified as benign is not then subjected to further curation. The score for this variant resulted in a classification of benign for this disease.

Mayo Clinic Laboratories, Mayo Clinic
Classification: Benign. Last evaluated: 2016-06-15. Review status: criteria provided, single submitter. Criteria: ACMG Guidelines, 2015. Collection method: clinical testing. Allele origin: germline. Observed: 45 variant alleles.

GeneDx
Classification: Benign. Last evaluated: 2015-03-03. Review status: criteria provided, single submitter. Criteria: GeneDx Variant Classification Process June 2021. Collection method: clinical testing. Allele origin: germline. Affected: yes.

Breakthrough Genomics
Classification: Benign. Review status: criteria provided, single submitter. Criteria: ACMG Guidelines, 2015. Collection method: not provided. Allele origin: germline. Inheritance: Autosomal recessive inheritance. Affected: yes.

Molecular Genetics Laboratory, London Health Sciences Centre
Classification: Benign for Charcot-Marie-Tooth disease. Review status: criteria provided, single submitter. Criteria: ACMG Guidelines, 2015. Collection method: clinical testing. Allele origin: germline. Affected: yes.